The following is an entry in ClinVar:

NM_003052.5(SLC34A1):c.223C>T (p.Pro75Ser)

Gene: SLC34A1 (solute carrier family 34 member 1; plus strand). Cytogenetic location: 5q35.3.
Variant type: single nucleotide variant.
Coding change: c.223C>T on transcript NM_003052.5 (MANE Select); coding-DNA position 223, C replaced by T.
Protein change: p.Pro75Ser; replaces proline 75 with serine.
Molecular consequence: missense variant.
Genome position (GRCh38, 1-based): chr5:177,386,100, C>T. VCF-style: chr5-177386100-C-T. GRCh37 (hg19) VCF-style: chr5-176813101-C-T.
Other names: p.Pro75Ser; c.223C>T, p.Pro75Ser (NM_001167579.2); short protein forms P75S.
Identifiers: ClinVar variation 352956 (VCV000352956.20), dbSNP rs61753440, ClinGen allele CA3580301.

ClinVar aggregate classification (germline): Benign. Review status: criteria provided, multiple submitters, no conflicts (2 of 4 stars). 5 submissions from 5 submitters: Benign (4). 1 of the submissions does not count toward it. Last evaluated 2026-02-02.

Conditions:
SLC34A1-related disorder. Also called: SLC34A1-related condition; SLC34A1-related disorders.
Hypophosphatemic nephrolithiasis/osteoporosis 1. Identifiers: Orphanet 244305, MedGen C2676786, MONDO:0012850, OMIM 612286.

Allele frequency attached by ClinVar (database versions not stated): gnomAD 0.01801 and 0.01686; 1000 Genomes Project 30x 0.01811; TOPMed 0.01884; ESP Exome Variant Server 0.01968; gnomAD exomes 0.00206 and 0.00514; ExAC 0.00610; 1000 Genomes Project 0.01717.

Submissions (5):

Labcorp Genetics (formerly Invitae), Labcorp
Classification: Benign. Last evaluated: 2026-02-02. Review status: criteria provided, single submitter. Criteria: Invitae Variant Classification Sherloc (09022015). Collection method: clinical testing. Allele origin: germline.

Mayo Clinic Laboratories, Mayo Clinic
Classification: Benign. Last evaluated: 2023-04-11. Review status: criteria provided, single submitter. Criteria: ACMG Guidelines, 2015. Collection method: clinical testing. Allele origin: germline. Observed: 2 variant alleles.

GeneDx
Classification: Benign. Last evaluated: 2019-03-29. Review status: criteria provided, single submitter. Criteria: GeneDx Variant Classification Process June 2021. Collection method: clinical testing. Allele origin: germline. Affected: yes.

Illumina Laboratory Services, Illumina
Classification: Benign for Hypophosphatemic nephrolithiasis/osteoporosis 1. Last evaluated: 2018-01-13. Review status: criteria provided, single submitter. Criteria: ICSL Variant Classification Criteria 13 December 2019. Collection method: clinical testing. Allele origin: germline.
Comment: This variant was observed in the ICSL laboratory as part of a predisposition screen in an ostensibly healthy population. It had not been previously curated by ICSL or reported in the Human Gene Mutation Database (HGMD: prior to June 1st, 2018), and was therefore a candidate for classification through an automated scoring system. Utilizing variant allele frequency, disease prevalence and penetrance estimates, and inheritance mode, an automated score was calculated to assess if this variant is too frequent to cause the disease. Based on the score and internal cut-off values, a variant classified as benign is not then subjected to further curation. The score for this variant resulted in a classification of benign for this disease.

PreventionGenetics, part of Exact Sciences
Classification: Benign for SLC34A1-related condition. Last evaluated: 2019-08-07. Review status: no assertion criteria provided. Collection method: clinical testing. Allele origin: germline. Not counted in ClinVar's aggregate classification.
Comment: This variant is classified as benign based on ACMG/AMP sequence variant interpretation guidelines (Richards et al. 2015 PMID: 25741868, with internal and published modifications).